The following is an entry in ClinVar:

ClinVar aggregate classification (germline): Pathogenic (1 of 4 stars; one submission).

Submission:

Labcorp Genetics (formerly Invitae), Labcorp
Classification: Pathogenic. Last evaluated: 2022-05-06. Review status: criteria provided, single submitter. Criteria: Invitae Variant Classification Sherloc (09022015). Collection method: clinical testing. Allele origin: germline.
Comment: This variant is not present in population databases (gnomAD no frequency). This variant has not been reported in the literature in individuals affected with DDX3X-related conditions. For these reasons, this variant has been classified as Pathogenic. This sequence change creates a premature translational stop signal (p.Asn546Leufs*6) in the DDX3X gene. It is expected to result in an absent or disrupted protein product. Loss-of-function variants in DDX3X are known to be pathogenic (PMID: 26235985).

Literature cited by the submitters: PubMed 26235985.

NM_001356.5(DDX3X):c.1635_1636insCT (p.Asn546fs)

Gene: DDX3X (DEAD-box helicase 3 X-linked; plus strand). Cytogenetic location: Xp11.4.
Variant type: Insertion.
Coding change: c.1635_1636insCT on transcript NM_001356.5 (MANE Select); coding-DNA positions 1635 to 1636, CT inserted.
Protein change: p.Asn546fs; shifts the reading frame from asparagine 546.
Molecular consequence: frameshift variant. On other transcripts: non-coding transcript variant (1).
Genome position: GRCh38 VCF-style: chrX-41346877-T-TTC. GRCh37 (hg19) VCF-style: chrX-41206130-T-TTC.
Other names: c.1635_1636insCT, p.Asn546fs (NM_001193416.3); c.1587_1588insCT, p.Asn530fs (NM_001193417.3); c.1077_1078insCT, p.Asn360fs (NM_001363819.1); short protein forms N530fs, N360fs, N546fs.
Identifiers: ClinVar variation 2128429 (VCV002128429.4), dbSNP rs2519525465, ClinGen allele CA2580101010.